The following is an entry in ClinVar:

NM_052867.4(NALCN):c.3259C>T (p.Pro1087Ser)

Gene: NALCN (sodium leak channel, non-selective; minus strand). Cytogenetic location: 13q32.3.
Variant type: single nucleotide variant.
Coding change: c.3259C>T on transcript NM_052867.4 (MANE Select); coding-DNA position 3259, C replaced by T.
Protein change: p.Pro1087Ser; replaces proline 1087 with serine.
Molecular consequence: missense variant.
Genome position (GRCh38, 1-based): chr13:101,095,584, G>A on the plus strand (C>T on the coding strand, the complement: NALCN is on the minus strand). VCF-style: chr13-101095584-G-A. GRCh37 (hg19) VCF-style: chr13-101747935-G-A.
Other names: c.3346C>T, p.Pro1116Ser (NM_001350748.2); c.3259C>T, p.Pro1087Ser (NM_001350749.2); c.3172C>T, p.Pro1058Ser (NM_001350750.2, NM_001350751.2); short protein forms P1058S, P1087S, P1116S.
Identifiers: ClinVar variation 2575681 (VCV002575681.4), dbSNP rs1455877763, ClinGen allele CA388653349.
Genomic context (GRCh38, chr13:101,095,584, plus strand): 5'-ATACTGACAAACACACCATTCTTCAGAATATTTTTTTATGATATACTTACCAAACACGGG[G>A]CACCCAAAATCCAGGTTTTTTCTCTCCAGGCCTCAATTTTAAATTTAAGTTCTTTGACAC-3'
Protein context (NP_443099.1, residues 1077-1097): PGEKKPGFWV[Pro1087Ser]RVWANPRNFN

ClinVar aggregate classification (germline): Uncertain significance. Review status: criteria provided, multiple submitters, no conflicts (2 of 4 stars). 2 submissions from 2 submitters: Uncertain significance (2). Last evaluated 2023-04-10.

Allele frequency attached by ClinVar (database versions not stated): gnomAD exomes below 0.00001; TOPMed below 0.00001; gnomAD 0.00001.
gnomAD v4.1: 5 of 1,611,728 alleles (0.00031%); highest among the groups gnomAD compares: Non-Finnish European, 0.00042%; no homozygotes.

Submissions (2):

Labcorp Genetics (formerly Invitae), Labcorp
Classification: Uncertain significance. Last evaluated: 2023-04-10. Review status: criteria provided, single submitter. Criteria: Invitae Variant Classification Sherloc (09022015). Collection method: clinical testing. Allele origin: germline.
Comment: In summary, the available evidence is currently insufficient to determine the role of this variant in disease. Therefore, it has been classified as a Variant of Uncertain Significance. Advanced modeling of protein sequence and biophysical properties (such as structural, functional, and spatial information, amino acid conservation, physicochemical variation, residue mobility, and thermodynamic stability) performed at Invitae indicates that this missense variant is not expected to disrupt NALCN protein function. This variant has not been reported in the literature in individuals affected with NALCN-related conditions. This variant is not present in population databases (gnomAD no frequency). This sequence change replaces proline, which is neutral and non-polar, with serine, which is neutral and polar, at codon 1087 of the NALCN protein (p.Pro1087Ser).

GeneDx
Classification: Uncertain significance. Last evaluated: 2023-02-14. Review status: criteria provided, single submitter. Criteria: GeneDx Variant Classification Process June 2021. Collection method: clinical testing. Allele origin: germline. Affected: yes.
Comment: Not observed at significant frequency in large population cohorts (gnomAD); In silico analysis supports that this missense variant has a deleterious effect on protein structure/function; Has not been previously published as pathogenic or benign to our knowledge